The following is an entry in ClinVar:

ClinVar aggregate classification (germline): Uncertain significance (1 of 4 stars; one submission).

Conditions:
Epilepsy, progressive myoclonic, 1B. Also called: PME. Identifiers: Orphanet 308, MedGen C2676254, MONDO:0012904, OMIM 612437.

Submission:

Labcorp Genetics (formerly Invitae), Labcorp
Classification: Uncertain significance for Epilepsy, progressive myoclonic, 1B. Last evaluated: 2022-10-12. Review status: criteria provided, single submitter. Criteria: Invitae Variant Classification Sherloc (09022015). Collection method: clinical testing. Allele origin: germline.
Comment: This variant, c.2278_2280del, results in the deletion of 1 amino acid(s) of the PRICKLE1 protein (p.Asp760del), but otherwise preserves the integrity of the reading frame. This variant is present in population databases (rs557205452, gnomAD 0.07%). This variant has been observed in individual(s) with clinical features of PRICKLE1-related conditions (PMID: 30564977). ClinVar contains an entry for this variant (Variation ID: 572581). Experimental studies and prediction algorithms are not available or were not evaluated, and the functional significance of this variant is currently unknown. In summary, the available evidence is currently insufficient to determine the role of this variant in disease. Therefore, it has been classified as a Variant of Uncertain Significance.

Literature cited by the submitters: PubMed 30564977.

NM_153026.3(PRICKLE1):c.2272GAT[2] (p.Asp760del)

Gene: PRICKLE1 (prickle planar cell polarity protein 1; minus strand). Cytogenetic location: 12q12.
Variant type: Microsatellite.
Coding change: c.2272GAT[2] on transcript NM_153026.3 (MANE Select); two copies in a row of the 3-base unit GAT starting at c.2272; the reference has three copies in a row; one copy, 3 bases deleted.
Protein change: p.Asp760del; deletes aspartic acid 760.
Molecular consequence: inframe deletion.
Genome position (GRCh38, 1-based): chr12:42,460,025-42,460,027, ATC deleted on the plus strand (GAT on the coding strand, the reverse complement: PRICKLE1 is on the minus strand); deleting any 3 consecutive bases within chr12:42,460,025-42,460,033 gives the same sequence; the position shown is the placement nearest the transcript's 3' end. VCF-style (leftmost placement, unchanged base first): chr12-42460024-AATC-A. GRCh37 (hg19) VCF-style: chr12-42853826-AATC-A.
Other names: c.2272GAT[2], p.Asp760del (NM_001144881.2, NM_001144882.2, NM_001144883.2); short protein forms D760del.
Identifiers: ClinVar variation 572581 (VCV000572581.7), dbSNP rs557205452, ClinGen allele CA6519626.